The following is an entry in ClinVar:

ClinVar aggregate classification (germline): Conflicting classifications of pathogenicity. Review status: criteria provided, conflicting classifications (1 of 4 stars). 4 submissions from 4 submitters: Uncertain significance (1); Likely benign (3). Last evaluated 2026-10-11.

Conditions:
Developmental and epileptic encephalopathy, 37 (DEE37). Also called: Epileptic encephalopathy, early infantile, 37. Identifiers: MedGen C4310770, MONDO:0014859, OMIM 616981.
FRRS1L-related disorder. Also called: FRRS1L-related condition.
Inborn genetic diseases. Identifiers: MedGen C0950123, MeSH D030342.

Allele frequency attached by ClinVar (database versions not stated): gnomAD exomes 0.00005 and 0.00015; TOPMed 0.00057; ESP Exome Variant Server 0.00062; 1000 Genomes Project 0.00140; ExAC 0.00016; gnomAD 0.00048; 1000 Genomes Project 30x 0.00141.
gnomAD v4.1: 156 of 1,613,424 alleles (0.0097%); highest among the groups gnomAD compares: African/African-American, 0.18%; no homozygotes.

Submissions (4):

GeneDx
Classification: Uncertain significance. Last evaluated: 2026-10-11. Review status: criteria provided, single submitter. Criteria: GeneDx Variant Classification Process June 2021. Collection method: clinical testing. Allele origin: germline.
Comment: In silico analysis supports that this missense variant has a deleterious effect on protein structure/function; Has not been previously published as pathogenic or benign to our knowledge

PreventionGenetics, part of Exact Sciences
Classification: Likely benign for FRRS1L-related condition. Last evaluated: 2026-09-08. Review status: criteria provided, single submitter. Criteria: ACMG Guidelines, 2015. Collection method: clinical testing. Allele origin: germline.
Comment: This variant is classified as likely benign based on ACMG/AMP sequence variant interpretation guidelines (Richards et al. 2015 PMID: 25741868, with internal and published modifications).

Labcorp Genetics (formerly Invitae), Labcorp
Classification: Likely benign for Developmental and epileptic encephalopathy, 37. Last evaluated: 2025-12-30. Review status: criteria provided, single submitter. Criteria: Invitae Variant Classification Sherloc (09022015). Collection method: clinical testing. Allele origin: germline.

Ambry Genetics
Classification: Likely benign for Inborn genetic diseases. Last evaluated: 2025-02-18. Review status: criteria provided, single submitter. Criteria: Ambry Variant Classification Scheme 2023. Collection method: clinical testing. Allele origin: germline.

NM_014334.4(FRRS1L):c.395T>C (p.Val132Ala)

Gene: FRRS1L (ferric chelate reductase 1 like; minus strand). Cytogenetic location: 9q31.3.
Variant type: single nucleotide variant.
Coding change: c.395T>C on transcript NM_014334.4 (MANE Select); coding-DNA position 395, T replaced by C.
Protein change: p.Val132Ala; replaces valine 132 with alanine.
Molecular consequence: missense variant.
Genome position (GRCh38, 1-based): chr9:109,147,118, A>G on the plus strand (T>C on the coding strand, the complement: FRRS1L is on the minus strand). VCF-style: chr9-109147118-A-G. GRCh37 (hg19) VCF-style: chr9-111909398-A-G.
Other names: c.548T>C (NM_014334.3); short protein forms V132A.
Identifiers: ClinVar variation 476304 (VCV000476304.15), dbSNP rs149005559, ClinGen allele CA5177425.
Genomic context (GRCh38, chr9:109,147,118, plus strand): 5'-TTGTCTGAAGAGAATCCAACTGCTACCCAACCATCTGTGTCTGCACTCAGCTCAAATTCT[A>G]CATCAGCCCCTATCATCCGGTAGCTGAGGAAATAGTCACAGGTCTCTGCATTACAGCCTG-3'
Protein context (NP_055149.3, residues 122-142): FLSYRMIGAD[Val132Ala]EFELSADTDG